The following is an entry in ClinVar:

NM_000152.5(GAA):c.727_728insCCACCAGGACA (p.Asp243fs)

Gene: GAA (alpha glucosidase; plus strand). Cytogenetic location: 17q25.3.
Variant type: Insertion.
Coding change: c.727_728insCCACCAGGACA on transcript NM_000152.5 (MANE Select); coding-DNA positions 727 to 728, CCACCAGGACA inserted.
Protein change: p.Asp243fs; shifts the reading frame from aspartic acid 243.
Molecular consequence: frameshift variant.
Genome position: GRCh38 VCF-style: chr17-80107591-G-GCCACCAGGACA. GRCh37 (hg19) VCF-style: chr17-78081390-G-GCCACCAGGACA.
Other names: c.727_728insCCACCAGGACA, p.Asp243fs (NM_001079803.3, NM_001079804.3, NM_001406741.1 and 1 more transcripts); short protein forms D243fs.
Identifiers: ClinVar variation 2858506 (VCV002858506.3), dbSNP rs2510357510, ClinGen allele CA2739268462.

ClinVar aggregate classification (germline): Pathogenic (1 of 4 stars; one submission).

Conditions:
Glycogen storage disease, type II (IOPD). Also called: GLYCOGENOSIS, GENERALIZED, CARDIAC FORM; GSD II; POMPE DISEASE, INFANTILE-ONSET; GLYCOGEN STORAGE DISEASE II, INFANTILE-ONSET; ACID ALPHA-GLUCOSIDASE DEFICIENCY, INFANTILE-ONSET; GAA DEFICIENCY, INFANTILE-ONSET. Identifiers: Orphanet 365, MedGen C0017921, MONDO:0009290, OMIM 232300.

Submission:

Labcorp Genetics (formerly Invitae), Labcorp
Classification: Pathogenic for Glycogen storage disease, type II. Last evaluated: 2023-04-23. Review status: criteria provided, single submitter. Criteria: Invitae Variant Classification Sherloc (09022015). Collection method: clinical testing. Allele origin: germline.
Comment: This variant is not present in population databases (gnomAD no frequency). For these reasons, this variant has been classified as Pathogenic. Algorithms developed to predict the effect of sequence changes on RNA splicing suggest that this variant may create or strengthen a splice site. This variant has not been reported in the literature in individuals affected with GAA-related conditions. This sequence change creates a premature translational stop signal (p.Asp243Alafs*29) in the GAA gene. It is expected to result in an absent or disrupted protein product. Loss-of-function variants in GAA are known to be pathogenic (PMID: 18425781, 22252923).

Literature cited by the submitters: PubMed 18425781; PubMed 22252923.